The following is an entry in ClinVar:

ClinVar aggregate classification (germline): Uncertain significance (1 of 4 stars; one submission).

Submission:

Labcorp Genetics (formerly Invitae), Labcorp
Classification: Uncertain significance. Last evaluated: 2025-09-02. Review status: criteria provided, single submitter. Criteria: Invitae Variant Classification Sherloc (09022015). Collection method: clinical testing. Allele origin: germline.
Comment: This sequence change replaces aspartic acid, which is acidic and polar, with alanine, which is neutral and non-polar, at codon 308 of the TYRP1 protein (p.Asp308Ala). This variant is not present in population databases (gnomAD no frequency). This variant has not been reported in the literature in individuals affected with TYRP1-related conditions. ClinVar contains an entry for this variant (Variation ID: 1438949). Invitae Evidence Modeling of protein sequence and biophysical properties (such as structural, functional, and spatial information, amino acid conservation, physicochemical variation, residue mobility, and thermodynamic stability) indicates that this missense variant is not expected to disrupt TYRP1 protein function with a negative predictive value of 80%. In summary, the available evidence is currently insufficient to determine the role of this variant in disease. Therefore, it has been classified as a Variant of Uncertain Significance.

NM_000550.3(TYRP1):c.923A>C (p.Asp308Ala)

Genes: LURAP1L-AS1 (LURAP1L antisense RNA 1; minus strand), TYRP1 (tyrosinase related protein 1; plus strand). Cytogenetic location: 9p23.
Variant type: single nucleotide variant.
Coding change: c.923A>C on transcript NM_000550.3 (MANE Select); coding-DNA position 923, A replaced by C.
Protein change: p.Asp308Ala; replaces aspartic acid 308 with alanine.
Molecular consequence: missense variant.
Genome position (GRCh38, 1-based): chr9:12,702,280, A>C. VCF-style: chr9-12702280-A-C. GRCh37 (hg19) VCF-style: chr9-12702280-A-C.
Other names: short protein forms D308A.
Identifiers: ClinVar variation 1438949 (VCV001438949.6), dbSNP rs990957770, ClinGen allele CA372941438.